The following is an entry in ClinVar:

NM_000376.3(VDR):c.*461G>T

Gene: VDR (vitamin D receptor; minus strand). Cytogenetic location: 12q13.11.
Variant type: single nucleotide variant.
Coding change: c.*461G>T on transcript NM_000376.3 (MANE Select); 461 bases downstream of the stop codon, G replaced by T.
Molecular consequence: 3 prime UTR variant.
Genome position (GRCh38, 1-based): chr12:47,844,285, C>A on the plus strand (G>T on the coding strand, the complement: VDR is on the minus strand). VCF-style: chr12-47844285-C-A. GRCh37 (hg19) VCF-style: chr12-48238068-C-A.
Other names: c.*461G>T (NM_001017535.2, NM_001017536.2, NM_001374661.1 and 1 more transcripts); c.*260G>T (NM_001364085.2).
Identifiers: ClinVar variation 308862 (VCV000308862.7), dbSNP rs3847987, ClinGen allele CA10641306.

ClinVar aggregate classification (germline): Benign. Review status: criteria provided, multiple submitters, no conflicts (2 of 4 stars). 3 submissions from 3 submitters: Benign (2). 1 of the submissions does not count toward it. Last evaluated 2018-01-13.

Conditions:
Periodontitis. Identifiers: MedGen C0031099, MONDO:0005076, HP:0000704.
Vitamin D-dependent rickets type II with alopecia (VDDR2A). Also called: HYPOCALCEMIC VITAMIN D-RESISTANT RICKETS; Vitamin D-dependent rickets, type 2A; PDDR IIA; PSEUDOVITAMIN D-DEFICIENCY, TYPE IIA; RICKETS, HEREDITARY VITAMIN D-RESISTANT; RICKETS-ALOPECIA SYNDROME. Identifiers: Orphanet 93160, MedGen C0342646, MONDO:0010186, OMIM 277440.

Allele frequency attached by ClinVar (database versions not stated): gnomAD exomes 0.11784; TOPMed 0.11857; gnomAD 0.12128 and 0.12208; 1000 Genomes Project 30x 0.12617; 1000 Genomes Project 0.12879.
gnomAD v4.1: 29,581 of 243,510 alleles (12%); highest among the groups gnomAD compares: East Asian, 20%; 2,068 homozygotes.

Submissions (3):

Illumina Laboratory Services, Illumina
Classification: Benign for Vitamin D-dependent rickets type II with alopecia. Last evaluated: 2018-01-13. Review status: criteria provided, single submitter. Criteria: ICSL Variant Classification Criteria 13 December 2019. Collection method: clinical testing. Allele origin: germline.
Comment: This variant was observed in the ICSL laboratory as part of a predisposition screen in an ostensibly healthy population. It had not been previously curated by ICSL or reported in the Human Gene Mutation Database (HGMD: prior to June 1st, 2018), and was therefore a candidate for classification through an automated scoring system. Utilizing variant allele frequency, disease prevalence and penetrance estimates, and inheritance mode, an automated score was calculated to assess if this variant is too frequent to cause the disease. Based on the score and internal cut-off values, a variant classified as benign is not then subjected to further curation. The score for this variant resulted in a classification of benign for this disease.

Breakthrough Genomics
Classification: Benign. Review status: criteria provided, single submitter. Criteria: ACMG Guidelines, 2015. Collection method: not provided. Allele origin: germline. Inheritance: Autosomal recessive inheritance. Affected: yes.

Genetics Laboratory, Lanzhou University
Classification: Benign for periodontitis. Last evaluated: 2023-04-20. Review status: no assertion criteria provided. Collection method: case-control. Allele origin: germline. Affected: yes. Not counted in ClinVar's aggregate classification.